The following is an entry in ClinVar:

NM_005633.4(SOS1):c.796A>G (p.Thr266Ala)

Gene: SOS1 (SOS Ras/Rac guanine nucleotide exchange factor 1; minus strand). Cytogenetic location: 2p22.1.
Variant type: single nucleotide variant.
Coding change: c.796A>G on transcript NM_005633.4 (MANE Select); coding-DNA position 796, A replaced by G.
Protein change: p.Thr266Ala; replaces threonine 266 with alanine.
Molecular consequence: missense variant.
Genome position (GRCh38, 1-based): chr2:39,051,212, T>C on the plus strand (A>G on the coding strand, the complement: SOS1 is on the minus strand). VCF-style: chr2-39051212-T-C. GRCh37 (hg19) VCF-style: chr2-39278353-T-C.
Other names: c.775A>G, p.Thr259Ala (NM_001382394.1); c.796A>G, p.Thr266Ala (NM_001382395.1); short protein forms T259A, T266A.
Identifiers: ClinVar variation 1965241 (VCV001965241.5), dbSNP rs2124596942, ClinGen allele CA346367691.

ClinVar aggregate classification (germline): Uncertain significance (1 of 4 stars; one submission).

Conditions:
RASopathy. Also called: Noonan spectrum disorder; rasopathies. Identifiers: Orphanet 536391, MedGen C5555857, MONDO:0021060.

Submission:

Labcorp Genetics (formerly Invitae), Labcorp
Classification: Uncertain significance for RASopathy. Last evaluated: 2022-02-23. Review status: criteria provided, single submitter. Criteria: Invitae Variant Classification Sherloc (09022015). Collection method: clinical testing. Allele origin: germline.
Comment: This sequence change replaces threonine, which is neutral and polar, with alanine, which is neutral and non-polar, at codon 266 of the SOS1 protein (p.Thr266Ala). This variant is not present in population databases (gnomAD no frequency). This variant has not been reported in the literature in individuals affected with SOS1-related conditions. Algorithms developed to predict the effect of missense changes on protein structure and function (SIFT, PolyPhen-2, Align-GVGD) all suggest that this variant is likely to be tolerated. This variant disrupts the p.Thr266 amino acid residue in SOS1. Other variant(s) that disrupt this residue have been determined to be pathogenic (PMID: 17143285, 18678287, 19020799, 19077116, 19953625). This suggests that this residue is clinically significant, and that variants that disrupt this residue are likely to be disease-causing. In summary, the available evidence is currently insufficient to determine the role of this variant in disease. Therefore, it has been classified as a Variant of Uncertain Significance.

Literature cited by the submitters: PubMed 17143285; PubMed 18678287; PubMed 19020799; PubMed 19077116; PubMed 19953625.